The following is an entry in ClinVar:

ClinVar aggregate classification (germline): Uncertain significance. Review status: criteria provided, multiple submitters, no conflicts (2 of 4 stars). 2 submissions from 2 submitters: Uncertain significance (2). Last evaluated 2025-10-08.

Allele frequency attached by ClinVar (database versions not stated): gnomAD 0.00003 and 0.00004; ESP Exome Variant Server 0.00008; 1000 Genomes Project 30x 0.00016; 1000 Genomes Project 0.00020.
gnomAD v4.1: 125 of 1,614,220 alleles (0.0077%); highest among the groups gnomAD compares: Middle Eastern, 0.033%; no homozygotes.

Submissions (2):

Labcorp Genetics (formerly Invitae), Labcorp
Classification: Uncertain significance. Last evaluated: 2025-10-08. Review status: criteria provided, single submitter. Criteria: Invitae Variant Classification Sherloc (09022015). Collection method: clinical testing. Allele origin: germline.
Comment: This sequence change replaces proline, which is neutral and non-polar, with leucine, which is neutral and non-polar, at codon 776 of the SLCO5A1 protein (p.Pro776Leu). This variant is present in population databases (rs201712813, gnomAD 0.03%). This variant has not been reported in the literature in individuals affected with SLCO5A1-related conditions. ClinVar contains an entry for this variant (Variation ID: 1388841). An algorithm developed to predict the effect of missense changes on protein structure and function (PolyPhen-2) suggests that this variant is likely to be tolerated. In summary, the available evidence is currently insufficient to determine the role of this variant in disease. Therefore, it has been classified as a Variant of Uncertain Significance.

Ambry Genetics
Classification: Uncertain significance. Last evaluated: 2025-05-21. Review status: criteria provided, single submitter. Criteria: Ambry Variant Classification Scheme 2023. Collection method: clinical testing. Allele origin: germline.

NM_030958.3(SLCO5A1):c.2327C>T (p.Pro776Leu)

Gene: SLCO5A1 (solute carrier organic anion transporter family member 5A1; minus strand). Cytogenetic location: 8q13.3.
Variant type: single nucleotide variant.
Coding change: c.2327C>T on transcript NM_030958.3 (MANE Select); coding-DNA position 2327, C replaced by T.
Protein change: p.Pro776Leu; replaces proline 776 with leucine.
Molecular consequence: missense variant. On other transcripts: 3 prime UTR variant (1).
Genome position (GRCh38, 1-based): chr8:69,673,089, G>A on the plus strand (C>T on the coding strand, the complement: SLCO5A1 is on the minus strand). VCF-style: chr8-69673089-G-A. GRCh37 (hg19) VCF-style: chr8-70585324-G-A.
Other names: c.*198C>T (NM_001146008.2); c.2162C>T, p.Pro721Leu (NM_001146009.1); c.2327C>T (NM_030958.2); short protein forms P721L, P776L.
Identifiers: ClinVar variation 1388841 (VCV001388841.8), dbSNP rs201712813, ClinGen allele CA4776360.